The following is an entry in ClinVar:

ClinVar aggregate classification (germline): Pathogenic (1 of 4 stars; one submission).

Conditions:
Long QT syndrome (LQTS). Identifiers: MedGen C0023976, MeSH D008133, MONDO:0002442. Disease mechanism: loss of function. Inheritance: Various modes of inheritance.

Submission:

Labcorp Genetics (formerly Invitae), Labcorp
Classification: Pathogenic for Long QT syndrome. Last evaluated: 2020-03-03. Review status: criteria provided, single submitter. Criteria: Invitae Variant Classification Sherloc (09022015). Collection method: clinical testing. Allele origin: germline.
Comment: This variant is an out-of-frame deletion of the genomic region encompassing exons 7-10 of the KCNQ1 gene. This is expected to create a premature translational stop signal and result in an absent or disrupted protein product. This variant was reported in a family with Jervell and Lange-Nielsen Syndrome (PMID: 25187895) and in an individual with Long QT syndrome (PMID: 22382802). Loss-of-function variants in KCNQ1 are known to be pathogenic (PMID: 9323054, 19862833). For these reasons, this variant has been classified as Pathogenic.

Literature cited by the submitters: PubMed 25187895; PubMed 22382802; PubMed 9323054; PubMed 19862833.

NC_000011.9:g.(?_2604665)_(2610084_?)del

Gene: KCNQ1 (potassium voltage-gated channel subfamily Q member 1; plus strand). Cytogenetic location: 11p15.5.
Variant type: Deletion.
Identifiers: ClinVar variation 1074801 (VCV001074801.1).